The following is an entry in ClinVar:

NM_031844.3(HNRNPU):c.1142dup (p.Tyr381Ter)

Gene: HNRNPU (heterogeneous nuclear ribonucleoprotein U; minus strand). Cytogenetic location: 1q44.
Variant type: Duplication.
Coding change: c.1142dup on transcript NM_031844.3 (MANE Select); coding-DNA position 1142, one base duplicated (A; older notation c.1142dupA).
Protein change: p.Tyr381Ter; replaces tyrosine 381 with a stop codon.
Molecular consequence: nonsense.
Genome position (GRCh38, 1-based): chr1:244,858,817, T duplicated on the plus strand (A on the coding strand, the reverse complement: HNRNPU is on the minus strand). VCF-style (leftmost placement, unchanged base first): chr1-244858816-A-AT. GRCh37 (hg19) VCF-style: chr1-245022118-A-AT.
Other names: NM_031844.3:c.1142dup; c.1085dup, p.Tyr362Ter (NM_004501.3); short protein forms Y362*, Y381*.
Identifiers: ClinVar variation 3075961 (VCV003075961.2), dbSNP rs2527880646, ClinGen allele CA2579984142.
Genomic context (GRCh38, chr1:244,858,816, plus strand): 5'-ATCAAACTTTTCTCCATAATCTTCAGTCTCACAGTTGCATGTTTTTATTCCTTTTAGAGA[A>AT]TACCCATAAGAAAATTCTTCTTCACCTAAGAAAATAATTAATCTTCATGAAGTAGATGTT-3'

ClinVar aggregate classification (germline): Likely pathogenic. Review status: criteria provided, multiple submitters, no conflicts (2 of 4 stars). 2 submissions from 2 submitters: Likely pathogenic (2). Last evaluated 2026-03-02.

Conditions:
Neurodevelopmental disorder. Identifiers: MedGen C1535926, MeSH D065886, MONDO:0700092.
Developmental and epileptic encephalopathy, 54. Also called: Epileptic encephalopathy, early infantile, 54; HNRNPU-Related Neurodevelopmental Disorder. Identifiers: MedGen C4479319, MONDO:0033363, OMIM 617391.

Submissions (2):

Broad Center for Mendelian Genomics, Broad Institute of MIT and Harvard
Classification: Likely pathogenic for Developmental and epileptic encephalopathy, 54. Last evaluated: 2026-03-02. Review status: criteria provided, single submitter. Criteria: ACMG Guidelines, 2015. Collection method: research. Allele origin: germline. Inheritance: Autosomal dominant inheritance.
Comment: The p.Tyr381Ter variant in HNRNPU has not been previously reported in the literature in individuals with developmental and epileptic encephalopathy 54 and was absent from large population studies. This nonsense variant leads to a premature termination codon at position 381, which is predicted to lead to a truncated or absent protein. Heterozygous loss of function of the HNRNPU gene is an established disease mechanism in developmental and epileptic encephalopathy 54. In summary, although additional studies are required to fully establish its clinical significance, this variant is likely pathogenic for autosomal dominant developmental and epileptic encephalopathy 54. ACMG/AMP Criteria applied: PVS1, PM2_supporting (Richards 2015).

Laboratory for Molecular Medicine, Mass General Brigham Personalized Medicine
Classification: Likely pathogenic for Neurodevelopmental disorder. Last evaluated: 2023-10-25. Review status: criteria provided, single submitter. Criteria: ACMG Guidelines, 2015. Collection method: clinical testing. Allele origin: germline. Inheritance: Autosomal dominant inheritance.
Comment: The p.Tyr381X variant in HNRNPU has not been previously reported in individuals with neurodevelopmental disorder and was absent from large population studies. This nonsense variant leads to a premature termination codon at position 381, which is predicted to result in a truncated or absent protein. Loss of function of the HNRNPU gene is an established disease mechanism in autosomal dominant HNRNPU-related neurodevelopmental disorder (Taylor 2022 PMID: 35138025). In summary, although additional studies are required to fully establish its clinical significance, this variant meets criteria to be classified as likely pathogenic for autosomal dominant HNRNPU-related neurodevelopmental disorder. ACMG/AMP Criteria applied: PVS1, PM2_Supporting.